The following is an entry in ClinVar:

ClinVar aggregate classification (germline): Conflicting classifications of pathogenicity. Review status: criteria provided, conflicting classifications (1 of 4 stars). 3 submissions from 3 submitters: Uncertain significance (2); Likely benign (1). Last evaluated 2024-04-22.

Conditions:
Inborn genetic diseases. Identifiers: MedGen C0950123, MeSH D030342.

Allele frequency attached by ClinVar (database versions not stated): gnomAD 0.00002; ExAC 0.00009.
gnomAD v4.1: 53 of 1,446,252 alleles (0.0037%); highest among the groups gnomAD compares: Admixed American, 0.02%; no homozygotes.

Submissions (4):

Blueprint Genetics
Classification: Uncertain significance. Last evaluated: 2024-04-22. Review status: criteria provided, single submitter. Criteria: ACMG Guidelines, 2015. Collection method: clinical testing. Allele origin: germline.

Labcorp Genetics (formerly Invitae), Labcorp
Classification: Uncertain significance. Last evaluated: 2023-11-25. Review status: criteria provided, single submitter. Criteria: Invitae Variant Classification Sherloc (09022015). Collection method: clinical testing. Allele origin: germline.
Comment: This sequence change replaces arginine, which is basic and polar, with tryptophan, which is neutral and slightly polar, at codon 465 of the ADAM9 protein (p.Arg465Trp). The frequency data for this variant in the population databases is considered unreliable, as metrics indicate poor data quality at this position in the gnomAD database. This missense change has been observed in individual(s) with clinical features of ADAM9-related conditions (Invitae). ClinVar contains an entry for this variant (Variation ID: 840132). Algorithms developed to predict the effect of missense changes on protein structure and function output the following: SIFT: "Not Available"; PolyPhen-2: "Benign"; Align-GVGD: "Not Available". The tryptophan amino acid residue is found in multiple mammalian species, which suggests that this missense change does not adversely affect protein function. In summary, the available evidence is currently insufficient to determine the role of this variant in disease. Therefore, it has been classified as a Variant of Uncertain Significance.

Ambry Genetics
Classification: Likely benign for Inborn genetic diseases. Last evaluated: 2023-06-21. Review status: criteria provided, single submitter. Criteria: Ambry Variant Classification Scheme 2023. Collection method: clinical testing. Allele origin: germline.

Dr. Peter K. Rogan Lab, Western University
No classification provided (evidence only). Condition: Gastric cancer. Review status: no classification provided. Collection method: in vitro. Allele origin: not applicable. Functional consequence: retained intron. Not counted in ClinVar's aggregate classification.

NM_003816.3(ADAM9):c.1393C>T (p.Arg465Trp)

Gene: ADAM9 (ADAM metallopeptidase domain 9; plus strand). Cytogenetic location: 8p11.22.
Variant type: single nucleotide variant.
Coding change: c.1393C>T on transcript NM_003816.3 (MANE Select); coding-DNA position 1393, C replaced by T.
Protein change: p.Arg465Trp; replaces arginine 465 with tryptophan.
Molecular consequence: missense variant. On other transcripts: non-coding transcript variant (3).
Genome position (GRCh38, 1-based): chr8:39,054,571, C>T. VCF-style: chr8-39054571-C-T. GRCh37 (hg19) VCF-style: chr8-38912090-C-T.
Other names: short protein forms R465W.
Identifiers: ClinVar variation 840132 (VCV000840132.11), dbSNP rs766583766, ClinGen allele CA4721589.